The following is an entry in ClinVar:

ClinVar aggregate classification (germline): Uncertain significance (1 of 4 stars; one submission).

Submission:

GeneDx
Classification: Uncertain significance. Last evaluated: 2022-05-25. Review status: criteria provided, single submitter. Criteria: GeneDx Variant Classification Process June 2021. Collection method: clinical testing. Allele origin: germline. Affected: yes.
Comment: Not observed at significant frequency in large population cohorts (gnomAD); In silico analysis supports that this missense variant has a deleterious effect on protein structure/function; Has not been previously published as pathogenic or benign to our knowledge

NM_006236.3(POU3F3):c.8C>G (p.Thr3Arg)

Gene: POU3F3 (POU class 3 homeobox 3; plus strand). Cytogenetic location: 2q12.1.
Variant type: single nucleotide variant.
Coding change: c.8C>G on transcript NM_006236.3 (MANE Select); coding-DNA position 8, C replaced by G.
Protein change: p.Thr3Arg; replaces threonine 3 with arginine.
Molecular consequence: missense variant.
Genome position (GRCh38, 1-based): chr2:104,855,518, C>G. VCF-style: chr2-104855518-C-G. GRCh37 (hg19) VCF-style: chr2-105471976-C-G.
Other names: short protein forms T3R.
Identifiers: ClinVar variation 1801005 (VCV001801005.1), dbSNP rs2466873648, ClinGen allele CA348095835.